The following is an entry in ClinVar:

ClinVar aggregate classification (germline): Uncertain significance (1 of 4 stars; one submission).

Submission:

Labcorp Genetics (formerly Invitae), Labcorp
Classification: Uncertain significance. Last evaluated: 2024-11-26. Review status: criteria provided, single submitter. Criteria: Invitae Variant Classification Sherloc (09022015). Collection method: clinical testing. Allele origin: germline.
Comment: This sequence change replaces valine, which is neutral and non-polar, with glycine, which is neutral and non-polar, at codon 72 of the CHCHD2 protein (p.Val72Gly). This variant is not present in population databases (gnomAD no frequency). This variant has not been reported in the literature in individuals affected with CHCHD2-related conditions. An algorithm developed to predict the effect of missense changes on protein structure and function (PolyPhen-2) suggests that this variant is likely to be disruptive. In summary, the available evidence is currently insufficient to determine the role of this variant in disease. Therefore, it has been classified as a Variant of Uncertain Significance.

NM_016139.4(CHCHD2):c.215T>G (p.Val72Gly)

Gene: CHCHD2 (coiled-coil-helix-coiled-coil-helix domain containing 2; minus strand). Cytogenetic location: 7p11.2.
Variant type: single nucleotide variant.
Coding change: c.215T>G on transcript NM_016139.4 (MANE Select); coding-DNA position 215, T replaced by G.
Protein change: p.Val72Gly; replaces valine 72 with glycine.
Molecular consequence: missense variant.
Genome position (GRCh38, 1-based): chr7:56,104,311, A>C on the plus strand (T>G on the coding strand, the complement: CHCHD2 is on the minus strand). VCF-style: chr7-56104311-A-C. GRCh37 (hg19) VCF-style: chr7-56172004-A-C.
Other names: c.215T>G, p.Val72Gly (NM_001320327.2); short protein forms V72G.
Identifiers: ClinVar variation 3726128 (VCV003726128.2).
Genomic context (GRCh38, chr7:56,104,311, plus strand): 5'-GGCTCAGCATTACTTCCTCCACTGAAGCCCCCAGTAATGGCGTGACCCAATGTGTGCCCC[A>C]CAGCAGAGCCCACAGCCACGCCAGCTGCAGTGGTTGCCATCTGGGCCATCAGACCTGGCT-3'
Protein context (NP_057223.1, residues 62-82): TAAGVAVGSA[Val72Gly]GHTLGHAITG